The following is an entry in ClinVar:

ClinVar aggregate classification (germline): Uncertain significance (1 of 4 stars; one submission).

Conditions:
RYR1-related disorder. Also called: RYR1-related condition; RYR1-related disorders. Identifiers: MedGen CN239331.

Submission:

Labcorp Genetics (formerly Invitae), Labcorp
Classification: Uncertain significance for RYR1-related disorder. Last evaluated: 2023-09-08. Review status: criteria provided, single submitter. Criteria: Invitae Variant Classification Sherloc (09022015). Collection method: clinical testing. Allele origin: germline.
Comment: This sequence change creates a premature translational stop signal (p.Tyr5033*) in the RYR1 gene. While this is not anticipated to result in nonsense mediated decay, it is expected to disrupt the last 6 amino acid(s) of the RYR1 protein. This variant is not present in population databases (gnomAD no frequency). This variant has not been reported in the literature in individuals affected with RYR1-related conditions. Experimental studies and prediction algorithms are not available or were not evaluated, and the functional significance of this variant is currently unknown. In summary, the available evidence is currently insufficient to determine the role of this variant in disease. Therefore, it has been classified as a Variant of Uncertain Significance.

NM_000540.3(RYR1):c.15099T>G (p.Tyr5033Ter)

Gene: RYR1 (ryanodine receptor 1; plus strand). Cytogenetic location: 19q13.2.
Variant type: single nucleotide variant.
Coding change: c.15099T>G on transcript NM_000540.3 (MANE Select); coding-DNA position 15099, T replaced by G.
Protein change: p.Tyr5033Ter; replaces tyrosine 5033 with a stop codon.
Molecular consequence: nonsense.
Genome position (GRCh38, 1-based): chr19:38,587,402, T>G. VCF-style: chr19-38587402-T-G. GRCh37 (hg19) VCF-style: chr19-39078042-T-G.
Other names: c.15084T>G, p.Tyr5028Ter (NM_001042723.2); short protein forms Y5028*, Y5033*.
Identifiers: ClinVar variation 2849719 (VCV002849719.3), dbSNP rs751549832, ClinGen allele CA405694542.